The following is an entry in ClinVar:

NM_001378454.1(ALMS1):c.7040G>T (p.Gly2347Val)

Gene: ALMS1 (ALMS1 centrosome and basal body associated protein; plus strand). Cytogenetic location: 2p13.1.
Variant type: single nucleotide variant.
Coding change: c.7040G>T on transcript NM_001378454.1 (MANE Select); coding-DNA position 7040, G replaced by T.
Protein change: p.Gly2347Val; replaces glycine 2347 with valine.
Molecular consequence: missense variant.
Genome position (GRCh38, 1-based): chr2:73,453,567, G>T. VCF-style: chr2-73453567-G-T. GRCh37 (hg19) VCF-style: chr2-73680694-G-T.
Other names: c.7043G>T, p.Gly2348Val (NM_015120.4); short protein forms G2348V, G2347V.
Identifiers: ClinVar variation 529388 (VCV000529388.13), dbSNP rs752336806, ClinGen allele CA1714174.
Genomic context (GRCh38, chr2:73,453,567, plus strand): 5'-CAAGCAGCAGGTGCATACAGAAGGATATTGGCACACAGACGAATTTGAAATGCCGGAGAG[G>T]CATTGAAAATTGGGAGTTTATTAGTTCAACTACAGTTAGAAGTCCTCTACAGGAAGCAGA-3'
Protein context (NP_001365383.1, residues 2337-2357): GTQTNLKCRR[Gly2347Val]IENWEFISST

ClinVar aggregate classification (germline): Uncertain significance. Review status: criteria provided, multiple submitters, no conflicts (2 of 4 stars). 4 submissions from 4 submitters: Uncertain significance (3). 1 of the submissions does not count toward it. Last evaluated 2025-05-22.

Conditions:
Cardiovascular phenotype. Identifiers: MedGen CN230736.
Alstrom syndrome (ALMS). Identifiers: Orphanet 64, MedGen C0268425, MONDO:0008763, OMIM 203800.

Allele frequency attached by ClinVar (database versions not stated): gnomAD exomes 0.00002 and 0.00006; gnomAD 0.00003; TOPMed 0.00003; ExAC 0.00007.
gnomAD v4.1: 28 of 1,613,754 alleles (0.0017%); highest among the groups gnomAD compares: Non-Finnish European, 0.0015%; no homozygotes.

Submissions (4):

Ambry Genetics
Classification: Uncertain significance for Cardiovascular phenotype. Last evaluated: 2025-05-22. Review status: criteria provided, single submitter. Criteria: Ambry Variant Classification Scheme 2023. Collection method: clinical testing. Allele origin: germline.
Comment: The p.G2348V variant (also known as c.7043G>T), located in coding exon 8 of the ALMS1 gene, results from a G to T substitution at nucleotide position 7043. The glycine at codon 2348 is replaced by valine, an amino acid with dissimilar properties. This amino acid position is well conserved in available vertebrate species. In addition, the in silico prediction for this alteration is inconclusive. Since supporting evidence is limited at this time, the clinical significance of this alteration remains unclear.

Labcorp Genetics (formerly Invitae), Labcorp
Classification: Uncertain significance for Alstrom syndrome. Last evaluated: 2022-03-24. Review status: criteria provided, single submitter. Criteria: Invitae Variant Classification Sherloc (09022015). Collection method: clinical testing. Allele origin: germline.
Comment: This sequence change replaces glycine, which is neutral and non-polar, with valine, which is neutral and non-polar, at codon 2348 of the ALMS1 protein (p.Gly2348Val). This variant is present in population databases (rs752336806, gnomAD 0.01%). This variant has not been reported in the literature in individuals affected with ALMS1-related conditions. ClinVar contains an entry for this variant (Variation ID: 529388). In summary, the available evidence is currently insufficient to determine the role of this variant in disease. Therefore, it has been classified as a Variant of Uncertain Significance.

Fulgent Genetics
Classification: Uncertain significance for Alstrom syndrome. Last evaluated: 2021-08-20. Review status: criteria provided, single submitter. Criteria: ACMG Guidelines, 2015. Collection method: clinical testing. Allele origin: unknown.

Natera, Inc.
Classification: Uncertain significance for Alstrom syndrome. Last evaluated: 2019-10-28. Review status: no assertion criteria provided. Collection method: clinical testing. Allele origin: germline. Not counted in ClinVar's aggregate classification.